The following is an entry in ClinVar:

ClinVar aggregate classification (germline): Likely pathogenic (1 of 4 stars; one submission).

Conditions:
Autosomal recessive distal spinal muscular atrophy 2. Also called: NEURONOPATHY, DISTAL HEREDITARY MOTOR, JERASH TYPE; NEUROPATHY, DISTAL HEREDITARY MOTOR, JERASH TYPE; SPINAL MUSCULAR ATROPHY, JERASH TYPE; Hereditary motor neuropathy, Jerash type; Motor neuropathy, distal, Jerash type; NEUROPATHY, DISTAL HEREDITARY MOTOR, AUTOSOMAL RECESSIVE 2. Identifiers: Orphanet 139552, MedGen C1854023, MONDO:0011585, OMIM 605726.
Amyotrophic lateral sclerosis type 16. Also called: AMYOTROPHIC LATERAL SCLEROSIS 16, JUVENILE. Identifiers: Orphanet 300605, MedGen C3280587, MONDO:0013715, OMIM 614373.

Submission:

Kariminejad - Najmabadi Pathology & Genetics Center
Classification: Likely pathogenic for Amyotrophic lateral sclerosis type 16; Autosomal recessive distal spinal muscular atrophy 2. Last evaluated: 2020-11-07. Review status: criteria provided, single submitter. Criteria: ACMG Guidelines, 2015. Collection method: clinical testing. Allele origin: germline. Inheritance: Autosomal recessive inheritance. Affected: yes.
Comment: PVS1_Strong?, PM2

NM_005866.4(SIGMAR1):c.109_110del (p.Phe37fs)

Genes: SIGMAR1 (sigma receptor chaperone 1; minus strand), LOC130001681 (ATAC-STARR-seq lymphoblastoid silent region 19853; plus strand). Cytogenetic location: 9p13.3.
Variant type: Deletion.
Coding change: c.109_110del on transcript NM_005866.4 (MANE Select); coding-DNA positions 109 to 110, 2 bases deleted (TT; older notation c.109_110delTT).
Protein change: p.Phe37fs; shifts the reading frame from phenylalanine 37.
Molecular consequence: frameshift variant. On other transcripts: 5 prime UTR variant (1), non-coding transcript variant (1), intron variant (1).
Genome position (GRCh38, 1-based): chr9:34,637,588-34,637,589, AA deleted on the plus strand (TT on the coding strand, the reverse complement: SIGMAR1 is on the minus strand). VCF-style (leftmost placement, unchanged base first): chr9-34637587-GAA-G. GRCh37 (hg19) VCF-style: chr9-34637584-GAA-G.
Other names: c.109_110delTT (NM_005866.4); c.109_110del, p.Phe37fs (NM_001282205.2, NM_001282208.2, NM_001282209.2 and 1 more transcripts); c.-145_-144del (NM_001282206.2); c.91+18_91+19del (NM_001282207.2); short protein forms F37fs.
Identifiers: ClinVar variation 1285377 (VCV001285377.1).